The following is an entry in ClinVar:

NM_025136.4(OPA3):c.*4857_*4858insC

Genes: OPA3 (outer mitochondrial membrane lipid metabolism regulator OPA3; minus strand), OPA3-RTN2 (OPA3-RTN2 readthrough; minus strand). Cytogenetic location: 19q13.32.
Variant type: Insertion.
Coding change: c.*4857_*4858insC on transcript NM_025136.4 (MANE Select); 4857 bases downstream of the stop codon through 4858 bases downstream of the stop codon, C inserted.
Molecular consequence: 3 prime UTR variant. On other transcripts: intron variant (1).
Genome position: GRCh38 VCF-style: chr19-45548656-T-TG. GRCh37 (hg19) VCF-style: chr19-46051914-T-TG.
Other names: c.143-19201_143-19200insC (NM_001017989.3).
Identifiers: ClinVar variation 1800527 (VCV001800527.1), dbSNP rs1280704569, ClinGen allele CA633339158.

ClinVar aggregate classification (germline): Likely benign (1 of 4 stars; one submission).

Allele frequency attached by ClinVar (database versions not stated): gnomAD exomes 0.00020.

Submission:

GeneDx
Classification: Likely benign. Last evaluated: 2022-02-11. Review status: criteria provided, single submitter. Criteria: GeneDx Variant Classification Process June 2021. Collection method: clinical testing. Allele origin: germline. Affected: yes.
Comment: See Variant Classification Assertion Criteria.